The following is an entry in ClinVar:

ClinVar aggregate classification (germline): Likely pathogenic. Review status: criteria provided, single submitter (1 of 4 stars). 2 submissions from 2 submitters: Likely pathogenic (1). 1 of the submissions does not count toward it. Last evaluated 2024-10-16.

Conditions:
Achondrogenesis, type IB (ACG1B). Also called: Achondrogenesis Type 1B. Identifiers: Orphanet 932, Orphanet 93298, MedGen C0265274, MONDO:0010966, OMIM 600972.
Multiple epiphyseal dysplasia type 4 (EDM4). Also called: MULTIPLE EPIPHYSEAL DYSPLASIA WITH BILAYERED PATELLAE; MULTIPLE EPIPHYSEAL DYSPLASIA WITH CLUBFOOT; MULTIPLE EPIPHYSEAL DYSPLASIA, AUTOSOMAL RECESSIVE; SLC26A2-Related Multiple Epiphyseal Dysplasia; Multiple Epiphyseal Dysplasia, Recessive. Identifiers: Orphanet 93307, MedGen C1847593, MONDO:0009189, OMIM 226900.

Submissions (2):

Natera, Inc.
Classification: Likely pathogenic for Achondrogenesis type IB. Last evaluated: 2024-10-16. Review status: criteria provided, single submitter. Criteria: Natera Variant Classification Schema (03/2026). Collection method: clinical testing. Allele origin: germline.
Comment: The c.499del variant in SLC26A2 is a frameshift variant predicted to shift the reading frame beginning at codon 167 and leads to a stop codon 5 codons downstream. This variant is expected to result in nonsense mediated decay, truncation, or a dysfunctional protein product. This variant is rare in the general population with a frequency below the threshold expected for the associated phenotype(s). Given the available evidence, this variant is classified as Likely Pathogenic.

Counsyl
Classification: Likely pathogenic for Multiple epiphyseal dysplasia type 4. Last evaluated: 2017-09-16. Review status: no assertion criteria provided. Collection method: clinical testing. Allele origin: unknown. Not counted in ClinVar's aggregate classification.

NM_000112.4(SLC26A2):c.499del (p.Val167fs)

Gene: SLC26A2 (solute carrier family 26 member 2; plus strand). Cytogenetic location: 5q32.
Variant type: Deletion.
Coding change: c.499del on transcript NM_000112.4 (MANE Select); coding-DNA position 499, one base deleted (G; older notation c.499delG).
Protein change: p.Val167fs; shifts the reading frame from valine 167.
Molecular consequence: frameshift variant.
Genome position (GRCh38, 1-based): chr5:149,978,151, G deleted. VCF-style (leftmost placement, unchanged base first): chr5-149978150-AG-A. GRCh37 (hg19) VCF-style: chr5-149357713-AG-A.
Other names: c.499delG (NM_000112.3); c.499del (NM_000112.3); short protein forms V167fs.
Identifiers: ClinVar variation 553875 (VCV000553875.3), dbSNP rs1554095145, ClinGen allele CA658822213.